The following is an entry in ClinVar:

NC_000003.11:g.(?_81548251)_(81548388_?)dup

Gene: GBE1 (1,4-alpha-glucan branching enzyme 1; minus strand). Cytogenetic location: 3p12.2.
Variant type: Duplication.
Identifiers: ClinVar variation 2422493 (VCV002422493.3).

ClinVar aggregate classification (germline): Uncertain significance (1 of 4 stars; one submission).

Conditions:
Glycogen storage disease, type IV (GSD4). Also called: AMYLOPECTINOSIS; ANDERSEN DISEASE; BRANCHER DEFICIENCY; CIRRHOSIS, FAMILIAL, WITH DEPOSITION OF ABNORMAL GLYCOGEN; Glycogen storage disease due to glycogen branching enzyme deficiency; GBE1 DEFICIENCY. Identifiers: Orphanet 367, MedGen C0017923, MONDO:0009292, OMIM 232500.
Glycogen storage disease IV, classic hepatic. Also called: GSD IV, CLASSIC HEPATIC. Identifiers: MedGen C1856301.

Submission:

Labcorp Genetics (formerly Invitae), Labcorp
Classification: Uncertain significance for Glycogen storage disease, type IV; Glycogen storage disease IV, classic hepatic. Last evaluated: 2022-06-28. Review status: criteria provided, single submitter. Criteria: Invitae Variant Classification Sherloc (09022015). Collection method: clinical testing. Allele origin: germline.
Comment: This variant results in a copy number gain of the genomic region encompassing exon(s) 15 of the GBE1 gene. While the exact position of this variant cannot be determined from the data, sub-genic copy number gains are generally in tandem (PMID: 25640679). This variant is predicted to be out-of-frame, and may result in an absent or disrupted protein product. This variant has not been reported in the literature in individuals affected with GBE1-related conditions. In summary, the available evidence is currently insufficient to determine the role of this variant in disease. Therefore, it has been classified as a Variant of Uncertain Significance.

Literature cited by the submitters: PubMed 25640679.